The following is an entry in ClinVar:

NM_000170.3(GLDC):c.231G>C (p.Glu77Asp)

Gene: GLDC (glycine decarboxylase; minus strand). Cytogenetic location: 9p24.1.
Variant type: single nucleotide variant.
Coding change: c.231G>C on transcript NM_000170.3 (MANE Select); coding-DNA position 231, G replaced by C.
Protein change: p.Glu77Asp; replaces glutamic acid 77 with aspartic acid.
Molecular consequence: missense variant.
Genome position (GRCh38, 1-based): chr9:6,645,269, C>G on the plus strand (G>C on the coding strand, the complement: GLDC is on the minus strand). VCF-style: chr9-6645269-C-G. GRCh37 (hg19) VCF-style: chr9-6645269-C-G.
Other names: short protein forms E77D.
Identifiers: ClinVar variation 2083684 (VCV002083684.3), dbSNP rs549637212, ClinGen allele CA4981266.

ClinVar aggregate classification (germline): Uncertain significance. Review status: criteria provided, multiple submitters, no conflicts (2 of 4 stars). 2 submissions from 2 submitters: Uncertain significance (2). Last evaluated 2024-10-23.

Conditions:
Glycine encephalopathy. Also called: Non-ketotic hyperglycinemia; Nonketotic hyperglycinemia. Identifiers: Orphanet 407, MedGen C0751748, MONDO:0011612, HP:0008288.

Allele frequency attached by ClinVar (database versions not stated): ExAC 0.00004.
gnomAD v4.1: 38 of 1,601,502 alleles (0.0024%); highest among the groups gnomAD compares: Middle Eastern, 0.018%; no homozygotes.

Submissions (2):

Blueprint Genetics
Classification: Uncertain significance. Last evaluated: 2024-10-23. Review status: criteria provided, single submitter. Criteria: ACMG Guidelines, 2015. Collection method: clinical testing. Allele origin: germline.

Labcorp Genetics (formerly Invitae), Labcorp
Classification: Uncertain significance for Glycine encephalopathy. Last evaluated: 2024-10-21. Review status: criteria provided, single submitter. Criteria: Invitae Variant Classification Sherloc (09022015). Collection method: clinical testing. Allele origin: germline.
Comment: This sequence change replaces glutamic acid, which is acidic and polar, with aspartic acid, which is acidic and polar, at codon 77 of the GLDC protein (p.Glu77Asp). This variant is present in population databases (rs549637212, gnomAD 0.003%). This variant has not been reported in the literature in individuals affected with GLDC-related conditions. ClinVar contains an entry for this variant (Variation ID: 2083684). Invitae Evidence Modeling of protein sequence and biophysical properties (such as structural, functional, and spatial information, amino acid conservation, physicochemical variation, residue mobility, and thermodynamic stability) indicates that this missense variant is not expected to disrupt GLDC protein function with a negative predictive value of 80%. In summary, the available evidence is currently insufficient to determine the role of this variant in disease. Therefore, it has been classified as a Variant of Uncertain Significance.